The following is an entry in ClinVar:

NM_000543.5(SMPD1):c.1522_1523delinsA (p.Gly508fs)

Gene: SMPD1 (sphingomyelin phosphodiesterase 1; plus strand). Cytogenetic location: 11p15.4.
Variant type: Indel.
Coding change: c.1522_1523delinsA on transcript NM_000543.5 (MANE Select); coding-DNA positions 1522 to 1523, GG replaced by A.
Protein change: p.Gly508fs; shifts the reading frame from glycine 508.
Molecular consequence: frameshift variant. On other transcripts: 3 prime UTR variant (1), non-coding transcript variant (2).
Genome position (GRCh38, 1-based): chr11:6,394,233-6,394,234, GG replaced by A. VCF-style: chr11-6394233-GG-A. GRCh37 (hg19) VCF-style: chr11-6415463-GG-A.
Other names: c.1519_1520delinsA, p.Gly507fs (NM_001007593.3); c.*15_*16delinsA (NM_001318087.2); c.601_602delinsA, p.Gly201fs (NM_001318088.2); c.1390_1391delinsA, p.Gly464fs (NM_001365135.2); short protein forms G507fs, G508fs, G201fs, G464fs.
Identifiers: ClinVar variation 5004742 (VCV005004742.1).
Genomic context (GRCh38, chr11:6,394,233, plus strand): 5'-TCCAGTCAGCCCCACATCCTTGCAGGTTACCGTGTGTACCAAATAGATGGAAACTACTCC[GG>A]GAGCTCTCACGTGGTCCTGGACCATGAGACCTACATCCTGAATCTGACCCAGGCAAACAT-3'

ClinVar aggregate classification (germline): Pathogenic (1 of 4 stars; one submission).

Conditions:
Acid sphingomyelinase deficiency. Identifiers: Orphanet 618899, MedGen C5243927, MONDO:0100464.

Submission:

Myriad Genetics, Inc.
Classification: Pathogenic for Acid sphingomyelinase deficiency. Last evaluated: 2026-06-19. Review status: criteria provided, single submitter. Criteria: Myriad Autosomal Dominant, Autosomal Recessive and X-Linked Classification Criteria (2023). Collection method: clinical testing. Allele origin: unknown.
Comment: NM_000543.4(SMPD1):c.1522_1523delGGinsA(G508Rfs*14) is a frameshift variant classified as pathogenic in the context of Niemann-Pick disease, SMPD1-related. G508Rfs*14 has not been observed in cases with relevant disease. Relevant functional assessments of this variant are not available in the literature. G508Rfs*14 has not been observed in referenced population frequency databases. In summary, NM_000543.4(SMPD1):c.1522_1523delGGinsA(G508Rfs*14) is a frameshift variant in a gene where loss of function is a known mechanism of disease and is predicted to disrupt protein function. Please note: this variant was assessed in the context of healthy population screening.